The following is an entry in ClinVar:

NM_000548.5(TSC2):c.848+5G>C

Gene: TSC2 (TSC complex subunit 2; plus strand). Cytogenetic location: 16p13.3.
Variant type: single nucleotide variant.
Coding change: c.848+5G>C on transcript NM_000548.5 (MANE Select); 5 bases into the intron after coding-DNA position 848, G replaced by C.
Molecular consequence: intron variant.
Genome position (GRCh38, 1-based): chr16:2,057,183, G>C. VCF-style: chr16-2057183-G-C. GRCh37 (hg19) VCF-style: chr16-2107184-G-C.
Other names: c.-584+5G>C (NM_001406693.1, NM_001406689.1, NM_001406690.1 and 4 more transcripts); c.938+5G>C (NM_001406667.1, NM_001406668.1); c.248+5G>C (NM_001406680.1, NM_001406683.1, NM_001406687.1 and 6 more transcripts); c.-760+5G>C (NM_001406698.1); c.848+5G>C (NM_001114382.3, NM_001406663.1, NM_001406664.1 and 6 more transcripts); c.-465+5G>C (NM_001406694.1, NM_001406695.1); c.836+5G>C (NM_001406671.1, NM_001406673.1); c.386+5G>C (NM_001406681.1); and 4 more.
Identifiers: ClinVar variation 4192174 (VCV004192174.1).

ClinVar aggregate classification (germline): Uncertain significance (1 of 4 stars; one submission).

Conditions:
Hereditary cancer-predisposing syndrome. Also called: Neoplastic Syndromes, Hereditary; Tumor predisposition; Hereditary Cancer Syndrome; Hereditary neoplastic syndrome. Identifiers: Orphanet 140162, MedGen C0027672, MeSH D009386, MONDO:0015356.

Submission:

Ambry Genetics
Classification: Uncertain significance for Hereditary cancer-predisposing syndrome. Last evaluated: 2025-08-11. Review status: criteria provided, single submitter. Criteria: Ambry Variant Classification Scheme 2023. Collection method: clinical testing. Allele origin: germline.
Comment: The c.848+5G>C intronic variant results from a G to C substitution 5 nucleotides after coding exon 8 in the TSC2 gene. This nucleotide position is highly conserved in available vertebrate species. In silico splice site analysis predicts that this alteration will not have any significant effect on splicing. Based on the available evidence, the clinical significance of this variant remains unclear.